The following is an entry in ClinVar:

ClinVar aggregate classification (germline): Pathogenic (1 of 4 stars; one submission).

Conditions:
ALG12-congenital disorder of glycosylation (CDG1G). Also called: ALG12-CDG; Congenital disorder of glycosylation, type Ig; CDG Ig. Identifiers: Orphanet 79324, MedGen C2931001, MONDO:0011783, OMIM 607143.

Allele frequency attached by ClinVar (database versions not stated): gnomAD 0.00001; TOPMed 0.00002.
gnomAD v4.1: 4 of 1,614,092 alleles (0.00025%); highest among the groups gnomAD compares: African/African-American, 0.004%; no homozygotes.

Submission:

Labcorp Genetics (formerly Invitae), Labcorp
Classification: Pathogenic for ALG12-congenital disorder of glycosylation. Last evaluated: 2025-09-07. Review status: criteria provided, single submitter. Criteria: Invitae Variant Classification Sherloc (09022015). Collection method: clinical testing. Allele origin: germline.
Comment: This sequence change creates a premature translational stop signal (p.Gln377*) in the ALG12 gene. It is expected to result in an absent or disrupted protein product. Loss-of-function variants in ALG12 are known to be pathogenic (PMID: 15639192, 31481313). This variant is not present in population databases (gnomAD no frequency). This variant has not been reported in the literature in individuals affected with ALG12-related conditions. ClinVar contains an entry for this variant (Variation ID: 2090231). For these reasons, this variant has been classified as Pathogenic.

Literature cited by the submitters: PubMed 15639192; PubMed 31481313.

NM_024105.4(ALG12):c.1129C>T (p.Gln377Ter)

Gene: ALG12 (ALG12 alpha-1,6-mannosyltransferase; minus strand). Cytogenetic location: 22q13.33.
Variant type: single nucleotide variant.
Coding change: c.1129C>T on transcript NM_024105.4 (MANE Select); coding-DNA position 1129, C replaced by T.
Protein change: p.Gln377Ter; replaces glutamine 377 with a stop codon.
Molecular consequence: nonsense.
Genome position (GRCh38, 1-based): chr22:49,904,370, G>A on the plus strand (C>T on the coding strand, the complement: ALG12 is on the minus strand). VCF-style: chr22-49904370-G-A. GRCh37 (hg19) VCF-style: chr22-50298018-G-A.
Other names: short protein forms Q377*.
Identifiers: ClinVar variation 2090231 (VCV002090231.4), dbSNP rs768399493, ClinGen allele CA412072215.